The following is an entry in ClinVar:

NM_000565.4(IL6R):c.1052C>A (p.Ala351Glu)

Gene: IL6R (interleukin 6 receptor; plus strand). Cytogenetic location: 1q21.3.
Variant type: single nucleotide variant.
Coding change: c.1052C>A on transcript NM_000565.4 (MANE Select); coding-DNA position 1052, C replaced by A.
Protein change: p.Ala351Glu; replaces alanine 351 with glutamic acid.
Molecular consequence: missense variant.
Genome position (GRCh38, 1-based): chr1:154,449,966, C>A. VCF-style: chr1-154449966-C-A. GRCh37 (hg19) VCF-style: chr1-154422442-C-A.
Other names: c.1052C>A, p.Ala351Glu (NM_001382769.1, NM_181359.3); c.1145C>A, p.Ala382Glu (NM_001382770.1); c.1100C>A, p.Ala367Glu (NM_001382771.1, NM_001382773.1); c.1046C>A, p.Ala349Glu (NM_001382772.1); c.692C>A, p.Ala231Glu (NM_001382774.1); short protein forms A351E, A349E, A367E, A231E, A382E.
Identifiers: ClinVar variation 2092591 (VCV002092591.4), dbSNP rs373575595, ClinGen allele CA342623809.

ClinVar aggregate classification (germline): Uncertain significance (1 of 4 stars; one submission).

gnomAD v4.1: 2 of 1,605,652 alleles (0.00012%); highest among the groups gnomAD compares: Non-Finnish European, 0.00017%; no homozygotes.

Submission:

Labcorp Genetics (formerly Invitae), Labcorp
Classification: Uncertain significance. Last evaluated: 2022-02-03. Review status: criteria provided, single submitter. Criteria: Invitae Variant Classification Sherloc (09022015). Collection method: clinical testing. Allele origin: germline.
Comment: In summary, the available evidence is currently insufficient to determine the role of this variant in disease. Therefore, it has been classified as a Variant of Uncertain Significance. Algorithms developed to predict the effect of missense changes on protein structure and function are either unavailable or do not agree on the potential impact of this missense change (SIFT: "Tolerated"; PolyPhen-2: "Possibly Damaging"; Align-GVGD: "Class C0"). This variant has not been reported in the literature in individuals affected with IL6R-related conditions. This variant is not present in population databases (gnomAD no frequency). This sequence change replaces alanine, which is neutral and non-polar, with glutamic acid, which is acidic and polar, at codon 351 of the IL6R protein (p.Ala351Glu).